The following is an entry in ClinVar:

ClinVar aggregate classification (germline): Uncertain significance (1 of 4 stars; one submission).

Submission:

Labcorp Genetics (formerly Invitae), Labcorp
Classification: Uncertain significance. Last evaluated: 2023-09-23. Review status: criteria provided, single submitter. Criteria: Invitae Variant Classification Sherloc (09022015). Collection method: clinical testing. Allele origin: germline.
Comment: This sequence change replaces alanine, which is neutral and non-polar, with valine, which is neutral and non-polar, at codon 27 of the NTHL1 protein (p.Ala27Val). This variant is not present in population databases (gnomAD no frequency). This variant has not been reported in the literature in individuals affected with NTHL1-related conditions. ClinVar contains an entry for this variant (Variation ID: 2128733). Algorithms developed to predict the effect of missense changes on protein structure and function output the following: SIFT: "Not Available"; PolyPhen-2: "Benign"; Align-GVGD: "Not Available". The valine amino acid residue is found in multiple mammalian species, which suggests that this missense change does not adversely affect protein function. In summary, the available evidence is currently insufficient to determine the role of this variant in disease. Therefore, it has been classified as a Variant of Uncertain Significance.

NM_002528.7(NTHL1):c.56C>T (p.Ala19Val)

Gene: NTHL1 (nth like DNA glycosylase 1; minus strand). Cytogenetic location: 16p13.3.
Variant type: single nucleotide variant.
Coding change: c.56C>T on transcript NM_002528.7 (MANE Select); coding-DNA position 56, C replaced by T.
Protein change: p.Ala19Val; replaces alanine 19 with valine.
Molecular consequence: missense variant. On other transcripts: 5 prime UTR variant (1).
Genome position (GRCh38, 1-based): chr16:2,047,768, G>A on the plus strand (C>T on the coding strand, the complement: NTHL1 is on the minus strand). VCF-style: chr16-2047768-G-A. GRCh37 (hg19) VCF-style: chr16-2097769-G-A.
Other names: c.56C>T, p.Ala19Val (NM_001318193.2); c.-123C>T (NM_001318194.2); short protein forms A19V.
Identifiers: ClinVar variation 2128733 (VCV002128733.4), dbSNP rs2084523141, ClinGen allele CA394298463.